The following is an entry in ClinVar:

ClinVar aggregate classification (germline): Uncertain significance (1 of 4 stars; one submission).

Submission:

GeneDx
Classification: Uncertain significance. Last evaluated: 2024-06-30. Review status: criteria provided, single submitter. Criteria: GeneDx Variant Classification Process June 2021. Collection method: clinical testing. Allele origin: germline. Affected: yes.
Comment: Not observed at significant frequency in large population cohorts (gnomAD); In silico analysis supports that this missense variant has a deleterious effect on protein structure/function; Has not been previously published as pathogenic or benign to our knowledge

NM_007052.5(NOX1):c.54G>C (p.Trp18Cys)

Gene: NOX1 (NADPH oxidase 1; minus strand). Cytogenetic location: Xq22.1.
Variant type: single nucleotide variant.
Coding change: c.54G>C on transcript NM_007052.5 (MANE Select); coding-DNA position 54, G replaced by C.
Protein change: p.Trp18Cys; replaces tryptophan 18 with cysteine.
Molecular consequence: missense variant.
Genome position (GRCh38, 1-based): chrX:100,870,806, C>G on the plus strand (G>C on the coding strand, the complement: NOX1 is on the minus strand). VCF-style: chrX-100870806-C-G. GRCh37 (hg19) VCF-style: chrX-100125795-C-G.
Other names: c.54G>C, p.Trp18Cys (NM_001271815.2, NM_013955.3); short protein forms W18C.
Identifiers: ClinVar variation 3393635 (VCV003393635.1).
Genomic context (GRCh38, chrX:100,870,806, plus strand): 5'-TTTGTCGGCCTTCTCATATTTCAGGAAGGCATCCACAAACAGGAAAACATTCAGCCCTAA[C>G]CAAACAACCTAGAGAAAGAAAAAAAAACATGCAAAGAATAAAGTGAAATTTGAGTATGGG-3'
Protein context (NP_008983.2, residues 8-28): HWFSVLFLVV[Trp18Cys]LGLNVFLFVD